The following is an entry in ClinVar:

NM_006059.4(LAMC3):c.2950G>C (p.Val984Leu)

Gene: LAMC3 (laminin subunit gamma 3; plus strand). Cytogenetic location: 9q34.12.
Variant type: single nucleotide variant.
Coding change: c.2950G>C on transcript NM_006059.4 (MANE Select); coding-DNA position 2950, G replaced by C.
Protein change: p.Val984Leu; replaces valine 984 with leucine.
Molecular consequence: missense variant.
Genome position (GRCh38, 1-based): chr9:131,069,731, G>C. VCF-style: chr9-131069731-G-C. GRCh37 (hg19) VCF-style: chr9-133945118-G-C.
Other names: short protein forms V984L.
Identifiers: ClinVar variation 1032401 (VCV001032401.6), dbSNP rs527388604, ClinGen allele CA375255456.

ClinVar aggregate classification (germline): Uncertain significance. Review status: criteria provided, multiple submitters, no conflicts (2 of 4 stars). 2 submissions from 2 submitters: Uncertain significance (2). Last evaluated 2024-10-15.

Conditions:
Occipital pachygyria and polymicrogyria. Identifiers: Orphanet 280640, MedGen C3279875, MONDO:0013583, OMIM 614115.

Allele frequency attached by ClinVar (database versions not stated): TOPMed 0.00003.
gnomAD v4.1: 26 of 1,602,486 alleles (0.0016%); highest among the groups gnomAD compares: Non-Finnish European, 0.0022%; no homozygotes.

Submissions (2):

Labcorp Genetics (formerly Invitae), Labcorp
Classification: Uncertain significance. Last evaluated: 2024-10-15. Review status: criteria provided, single submitter. Criteria: Invitae Variant Classification Sherloc (09022015). Collection method: clinical testing. Allele origin: germline.
Comment: This sequence change replaces valine, which is neutral and non-polar, with leucine, which is neutral and non-polar, at codon 984 of the LAMC3 protein (p.Val984Leu). This variant is present in population databases (no rsID available, gnomAD 0.007%). This variant has not been reported in the literature in individuals affected with LAMC3-related conditions. ClinVar contains an entry for this variant (Variation ID: 1032401). An algorithm developed to predict the effect of missense changes on protein structure and function (PolyPhen-2) suggests that this variant is likely to be tolerated. In summary, the available evidence is currently insufficient to determine the role of this variant in disease. Therefore, it has been classified as a Variant of Uncertain Significance.

Baylor Genetics
Classification: Uncertain significance for Occipital pachygyria and polymicrogyria. Last evaluated: 2018-04-19. Review status: criteria provided, single submitter. Criteria: ACMG Guidelines, 2015. Collection method: clinical testing. Allele origin: unknown. Affected: yes.
Comment: This variant was determined to be of uncertain significance according to ACMG Guidelines, 2015 [PMID:25741868].